The following is an entry in ClinVar:

ClinVar aggregate classification (germline): Pathogenic. Review status: criteria provided, multiple submitters, no conflicts (2 of 4 stars). 2 submissions from 2 submitters: Pathogenic (2). Last evaluated 2024-05-29.

Conditions:
Inborn genetic diseases. Identifiers: MedGen C0950123, MeSH D030342.
Developmental and epileptic encephalopathy, 9 (DEE9). Also called: EPILEPSY, FEMALE-RESTRICTED, WITH MENTAL RETARDATION; Early infantile epileptic encephalopathy 9; JUBERG-HELLMAN SYNDROME; PCDH19-Related X-Linked Female-Limited Epilepsy with Mental Retardation. Identifiers: Orphanet 101039, Orphanet 2076, MedGen C1848137, MONDO:0010246, OMIM 300088. Disease mechanism: loss of function.

Submissions (2):

Labcorp Genetics (formerly Invitae), Labcorp
Classification: Pathogenic for Developmental and epileptic encephalopathy, 9. Last evaluated: 2024-05-29. Review status: criteria provided, single submitter. Criteria: Invitae Variant Classification Sherloc (09022015). Collection method: clinical testing. Allele origin: germline.
Comment: This sequence change creates a premature translational stop signal (p.Tyr306*) in the PCDH19 gene. It is expected to result in an absent or disrupted protein product. Loss-of-function variants in PCDH19 are known to be pathogenic (PMID: 21053371). This variant is not present in population databases (gnomAD no frequency). This premature translational stop signal has been observed in individual(s) with PCDH19-related epilepsy (PMID: 26765483). ClinVar contains an entry for this variant (Variation ID: 566069). For these reasons, this variant has been classified as Pathogenic.

Ambry Genetics
Classification: Pathogenic for Inborn genetic diseases. Last evaluated: 2019-01-24. Review status: criteria provided, single submitter. Criteria: Ambry Variant Classification Scheme 2023. Collection method: clinical testing. Allele origin: germline.
Comment: The p.Y306* pathogenic mutation (also known as c.918C>G), located in coding exon 1 of the PCDH19 gene, results from a C to G substitution at nucleotide position 918. This changes the amino acid from a tyrosine to a stop codon within coding exon 1. In addition to the clinical data presented in the literature, this alteration is expected to result in loss of function by premature protein truncation or nonsense-mediated mRNA decay. As such, this alteration is interpreted as a disease-causing mutation.

Literature cited by the submitters: PubMed 21053371 (cited by Labcorp Genetics (formerly Invitae), Labcorp); PubMed 26765483 (cited by Labcorp Genetics (formerly Invitae), Labcorp and Ambry Genetics); PubMed 28462982 (cited by Ambry Genetics); PubMed 28669061 (cited by Ambry Genetics); PubMed 29866057 (cited by Ambry Genetics); PubMed 30287595 (cited by Ambry Genetics).

NM_001184880.2(PCDH19):c.918C>G (p.Tyr306Ter)

Gene: PCDH19 (protocadherin 19; minus strand). Cytogenetic location: Xq22.1.
Variant type: single nucleotide variant.
Coding change: c.918C>G on transcript NM_001184880.2 (MANE Select); coding-DNA position 918, C replaced by G.
Protein change: p.Tyr306Ter; replaces tyrosine 306 with a stop codon.
Molecular consequence: nonsense.
Genome position (GRCh38, 1-based): chrX:100,407,680, G>C on the plus strand (C>G on the coding strand, the complement: PCDH19 is on the minus strand). VCF-style: chrX-100407680-G-C. GRCh37 (hg19) VCF-style: chrX-99662678-G-C.
Other names: c.918C>G, p.Tyr306Ter (NM_001105243.2, NM_020766.3); short protein forms Y306*.
Identifiers: ClinVar variation 566069 (VCV000566069.12), dbSNP rs1569315231, ClinGen allele CA414005015.